The following is an entry in ClinVar:

ClinVar aggregate classification (germline): Likely pathogenic (1 of 4 stars; one submission).

Conditions:
Inborn genetic diseases. Identifiers: MedGen C0950123, MeSH D030342.

Submission:

Ambry Genetics
Classification: Likely pathogenic for Inborn genetic diseases. Last evaluated: 2025-06-24. Review status: criteria provided, single submitter. Criteria: Ambry Variant Classification Scheme 2023. Collection method: clinical testing. Allele origin: germline.
Comment: The c.82+1G>A intronic variant results from a G to A substitution one nucleotide after coding exon one of the ERBB4 gene. The stop codon in the predicted resulting transcript occurs in the 5' end of the ERBB4 gene. As such, this alteration may escape nonsense-mediated mRNA decay and/or be prone to rescue by reinitiation (Rivas, 2015; Lindeboom, 2016; Rhee, 2017). The exact functional effect of this alteration is unknown; however, a significant portion of the protein is affected (Ambry internal data). This variant was not reported in population-based cohorts in the Genome Aggregation Database (gnomAD). This nucleotide position is highly conserved in available vertebrate species. In silico splice site analysis predicts that this alteration will weaken the native splice donor site. Based on the available evidence, this alteration is classified as likely pathogenic.

Literature cited by the submitters: PubMed 25954003; PubMed 27618451; PubMed 28490743.

NM_005235.3(ERBB4):c.82+1G>A

Gene: ERBB4 (erb-b2 receptor tyrosine kinase 4; minus strand). Cytogenetic location: 2q34.
Variant type: single nucleotide variant.
Coding change: c.82+1G>A on transcript NM_005235.3 (MANE Select); the canonical splice donor site of the intron after coding-DNA position 82, G replaced by A.
Molecular consequence: splice donor variant.
Genome position (GRCh38, 1-based): chr2:212,538,448, C>T on the plus strand (G>A on the coding strand, the complement: ERBB4 is on the minus strand). VCF-style: chr2-212538448-C-T. GRCh37 (hg19) VCF-style: chr2-213403172-C-T.
Other names: c.82+1G>A (NM_001042599.2, NM_001439006.1, NM_001439005.1).
Identifiers: ClinVar variation 4250422 (VCV004250422.1).